The following is an entry in ClinVar:

ClinVar aggregate classification (germline): Likely benign (1 of 4 stars; one submission).

Allele frequency attached by ClinVar (database versions not stated): ExAC 0.00003.
gnomAD v4.1: 38 of 1,614,020 alleles (0.0024%); highest among the groups gnomAD compares: South Asian, 0.027%; no homozygotes.

Submission:

CeGaT Center for Human Genetics Tuebingen
Classification: Likely benign. Last evaluated: 2022-08-01. Review status: criteria provided, single submitter. Criteria: CeGaT Center For Human Genetics Tuebingen Variant Classification Criteria Version 2. Collection method: clinical testing. Allele origin: germline. Affected: yes. Observed: 1 variant allele.
Comment: FARSA: BP4, BP7

NM_004461.3(FARSA):c.780C>T (p.Asp260=)

Gene: FARSA (phenylalanyl-tRNA synthetase subunit alpha; minus strand). Cytogenetic location: 19p13.13.
Variant type: single nucleotide variant.
Coding change: c.780C>T on transcript NM_004461.3 (MANE Select); coding-DNA position 780, C replaced by T.
Protein change: p.Asp260=; no amino-acid change (aspartic acid 260 retained).
Molecular consequence: synonymous variant.
Genome position (GRCh38, 1-based): chr19:12,928,403, G>A on the plus strand (C>T on the coding strand, the complement: FARSA is on the minus strand). VCF-style: chr19-12928403-G-A. GRCh37 (hg19) VCF-style: chr19-13039217-G-A.
Identifiers: ClinVar variation 2649358 (VCV002649358.24), dbSNP rs143258144, ClinGen allele CA9235282.
Genomic context (GRCh38, chr19:12,928,403, plus strand): 5'-TCGAAGGAAGAAGGTGTCGTGCTGGTCACGGGCTGGGTGCTGCTGGGGCTGGAAGAGGGC[G>A]TCAAAGTTCCAGAAGGAGCTCTCAATGAAGTTATCAGTCGGCATCTCGGTGAACCTGGTG-3'
Protein context (NP_004452.1, residues 250-270): NFIESSFWNF[Asp260=]ALFQPQQHPA